The following is an entry in ClinVar:

NM_022455.5(NSD1):c.2054dup (p.Tyr686fs)

Gene: NSD1 (nuclear receptor binding SET domain protein 1; plus strand). Cytogenetic location: 5q35.3.
Variant type: Duplication.
Coding change: c.2054dup on transcript NM_022455.5 (MANE Select); coding-DNA position 2054, one base duplicated (A; older notation c.2054dupA).
Protein change: p.Tyr686fs; shifts the reading frame from tyrosine 686.
Molecular consequence: frameshift variant.
Genome position (GRCh38, 1-based): chr5:177,210,453, A duplicated; the last of 3 consecutive A bases (chr5:177,210,451-177,210,453); duplicating any one gives the same sequence. VCF-style (leftmost placement, unchanged base first): chr5-177210450-T-TA. GRCh37 (hg19) VCF-style: chr5-176637451-T-TA.
Other names: c.2054dupA (NM_022455.4); c.1181dup, p.Tyr395Valfs (NM_001365684.2, NM_001409306.1, NM_001409307.1 and 3 more transcripts); c.2054dup, p.Tyr686Valfs (NM_001409301.1, NM_001409302.1, NM_001409303.1); c.1634dup, p.Tyr546Valfs (NM_001409304.1); c.1301dup, p.Tyr435Valfs (NM_001409305.1); short protein forms Y686fs, Y417fs.
Identifiers: ClinVar variation 432997 (VCV000432997.3), dbSNP rs1554189269, ClinGen allele CA645372807.

ClinVar aggregate classification (germline): Pathogenic (1 of 4 stars; one submission).

Submission:

GeneDx
Classification: Pathogenic. Last evaluated: 2025-08-29. Review status: criteria provided, single submitter. Criteria: GeneDx Variant Classification Process June 2021. Collection method: clinical testing. Allele origin: germline. Affected: yes.
Comment: Frameshift variant predicted to result in protein truncation or nonsense mediated decay in a gene for which loss of function is a known mechanism of disease; Not observed at significant frequency in large population cohorts (gnomAD); Has not been previously published as pathogenic or benign to our knowledge